The following is an entry in ClinVar:

NM_001378778.1(MPDZ):c.2395A>G (p.Lys799Glu)

Gene: MPDZ (multiple PDZ domain crumbs cell polarity complex component; minus strand). Cytogenetic location: 9p23.
Variant type: single nucleotide variant.
Coding change: c.2395A>G on transcript NM_001378778.1 (MANE Select); coding-DNA position 2395, A replaced by G.
Protein change: p.Lys799Glu; replaces lysine 799 with glutamic acid.
Molecular consequence: missense variant.
Genome position (GRCh38, 1-based): chr9:13,186,356, T>C on the plus strand (A>G on the coding strand, the complement: MPDZ is on the minus strand). VCF-style: chr9-13186356-T-C. GRCh37 (hg19) VCF-style: chr9-13186355-T-C.
Other names: c.2395A>G, p.Lys799Glu (NM_001261406.2, NM_001261407.2, NM_001330637.2 and 14 more transcripts); c.2395A>G (NM_003829.3); short protein forms K799E.
Identifiers: ClinVar variation 773227 (VCV000773227.41), dbSNP rs150038177, ClinGen allele CA4987472.

ClinVar aggregate classification (germline): Likely benign. Review status: criteria provided, multiple submitters, no conflicts (2 of 4 stars). 6 submissions from 6 submitters: Likely benign (5). 1 of the submissions does not count toward it. Last evaluated 2026-01-15.

Conditions:
MPDZ-related disorder. Also called: MPDZ-related condition.
Inborn genetic diseases. Identifiers: MedGen C0950123, MeSH D030342.

Allele frequency attached by ClinVar (database versions not stated): 1000 Genomes Project 0.00100; 1000 Genomes Project 30x 0.00109; TOPMed 0.00187; gnomAD exomes 0.00194; gnomAD 0.00201 and 0.00206; ESP Exome Variant Server 0.00251; ExAC 0.00380.
gnomAD v4.1: 5,312 of 1,586,908 alleles (0.33%); highest among the groups gnomAD compares: Non-Finnish European, 0.42%; 14 homozygotes.

Submissions (6):

Labcorp Genetics (formerly Invitae), Labcorp
Classification: Likely benign. Last evaluated: 2026-01-15. Review status: criteria provided, single submitter. Criteria: Invitae Variant Classification Sherloc (09022015). Collection method: clinical testing. Allele origin: germline.

CeGaT Center for Human Genetics Tuebingen
Classification: Likely benign. Last evaluated: 2025-11-01. Review status: criteria provided, single submitter. Criteria: CeGaT Center For Human Genetics Tuebingen Variant Classification Criteria Version 2. Collection method: clinical testing. Allele origin: germline. Affected: yes. Observed: 2 variant alleles.
Comment: MPDZ: BS2

Ambry Genetics
Classification: Likely benign for Inborn genetic diseases. Last evaluated: 2021-10-21. Review status: criteria provided, single submitter. Criteria: Ambry Variant Classification Scheme 2023. Collection method: clinical testing. Allele origin: germline.

Genetic Services Laboratory, University of Chicago
Classification: Likely benign. Last evaluated: 2020-01-27. Review status: criteria provided, single submitter. Criteria: ACMG Guidelines, 2015. Collection method: clinical testing. Allele origin: germline. Affected: no.

Breakthrough Genomics
Classification: Likely benign. Review status: criteria provided, single submitter. Criteria: ACMG Guidelines, 2015. Collection method: not provided. Allele origin: germline. Inheritance: Autosomal recessive inheritance. Affected: yes.

PreventionGenetics, part of Exact Sciences
Classification: Likely benign for MPDZ-related condition. Last evaluated: 2022-06-24. Review status: no assertion criteria provided. Collection method: clinical testing. Allele origin: germline. Not counted in ClinVar's aggregate classification.
Comment: This variant is classified as likely benign based on ACMG/AMP sequence variant interpretation guidelines (Richards et al. 2015 PMID: 25741868, with internal and published modifications).